The following is an entry in ClinVar:

ClinVar aggregate classification (germline): Conflicting classifications of pathogenicity. Review status: criteria provided, conflicting classifications (1 of 4 stars). 3 submissions from 3 submitters: Uncertain significance (2); Likely benign (1). Last evaluated 2026-06-08.

Conditions:
COL11A2-related disorder. Also called: COL11A2-related condition; COL11A2-related disorders.

Allele frequency attached by ClinVar (database versions not stated): TOPMed below 0.00001; gnomAD exomes 0.00001.
gnomAD v4.1: 4 of 1,613,582 alleles (0.00025%); highest among the groups gnomAD compares: Admixed American, 0.0067%; no homozygotes.

Submissions (3):

PreventionGenetics, part of Exact Sciences
Classification: Uncertain significance for COL11A2-related condition. Last evaluated: 2026-06-08. Review status: criteria provided, single submitter. Criteria: ACMG Guidelines, 2015. Collection method: clinical testing. Allele origin: germline.
Comment: The COL11A2 c.4307C>T variant is predicted to result in the amino acid substitution p.Pro1436Leu. To our knowledge, this variant has not been reported in the literature. This variant is reported in 0.0058% of alleles in individuals of Latino descent in gnomAD. At this time, the clinical significance of this variant is uncertain due to the absence of conclusive functional and genetic evidence.

Labcorp Genetics (formerly Invitae), Labcorp
Classification: Likely benign. Last evaluated: 2023-08-04. Review status: criteria provided, single submitter. Criteria: Invitae Variant Classification Sherloc (09022015). Collection method: clinical testing. Allele origin: germline.

GeneDx
Classification: Uncertain significance. Last evaluated: 2019-10-11. Review status: criteria provided, single submitter. Criteria: GeneDx Variant Classification Process June 2021. Collection method: clinical testing. Allele origin: germline. Affected: yes.
Comment: Has not been previously published as pathogenic or benign to our knowledge; Not observed at a significant frequency in large population cohorts (Lek et al., 2016); In silico analysis, which includes protein predictors and evolutionary conservation, supports a deleterious effect

NM_080680.3(COL11A2):c.4307C>T (p.Pro1436Leu)

Gene: COL11A2 (collagen type XI alpha 2 chain; minus strand). Cytogenetic location: 6p21.32.
Variant type: single nucleotide variant.
Coding change: c.4307C>T on transcript NM_080680.3 (MANE Select); coding-DNA position 4307, C replaced by T.
Protein change: p.Pro1436Leu; replaces proline 1436 with leucine.
Molecular consequence: missense variant.
Genome position (GRCh38, 1-based): chr6:33,166,751, G>A on the plus strand (C>T on the coding strand, the complement: COL11A2 is on the minus strand). VCF-style: chr6-33166751-G-A. GRCh37 (hg19) VCF-style: chr6-33134528-G-A.
Other names: c.3986C>T, p.Pro1329Leu (NM_080679.3); c.4049C>T, p.Pro1350Leu (NM_080681.3); short protein forms P1329L, P1350L, P1436L.
Identifiers: ClinVar variation 1309439 (VCV001309439.6), dbSNP rs1338682682, ClinGen allele CA363620492.